The following is an entry in ClinVar:

ClinVar aggregate classification (germline): Pathogenic (1 of 4 stars; one submission).

Conditions:
Familial cancer of breast. Also called: Hereditary breast cancer; BREAST CANCER, FAMILIAL; hereditary breast carcinoma. Identifiers: Orphanet 227535, MedGen C0346153, MONDO:0016419, OMIM 114480. Disease mechanism: loss of function.

Submission:

Myriad Genetics, Inc.
Classification: Pathogenic for Familial cancer of breast. Last evaluated: 2023-09-08. Review status: criteria provided, single submitter. Criteria: Myriad Autosomal Dominant, Autosomal Recessive and X-Linked Classification Criteria (2023). Collection method: clinical testing. Allele origin: unknown.
Comment: This variant is considered pathogenic. This variant creates a frameshift predicted to result in premature protein truncation.

NM_024675.4(PALB2):c.1476del (p.Thr494fs)

Gene: PALB2 (partner and localizer of BRCA2; minus strand). Cytogenetic location: 16p12.2.
Variant type: Deletion.
Coding change: c.1476del on transcript NM_024675.4 (MANE Select); coding-DNA position 1476, one base deleted (G; older notation c.1476delG).
Protein change: p.Thr494fs; shifts the reading frame from threonine 494.
Molecular consequence: frameshift variant. On other transcripts: intron variant (3).
Genome position (GRCh38, 1-based): chr16:23,635,070, C deleted on the plus strand (G on the coding strand, the reverse complement: PALB2 is on the minus strand); the first of 3 consecutive C bases (chr16:23,635,070-23,635,072); deleting any one gives the same sequence. VCF-style (leftmost placement, unchanged base first): chr16-23635069-GC-G. GRCh37 (hg19) VCF-style: chr16-23646390-GC-G.
Other names: c.1416del, p.Thr474fs (NM_001407296.1); c.1476del, p.Thr494fs (NM_001407297.1, NM_001407298.1, NM_001407299.1 and 3 more transcripts); c.591del, p.Thr199fs (NM_001407304.1, NM_001407305.1, NM_001407306.1 and 5 more transcripts); c.49-5795del (NM_001407314.1); c.-104-4601del (NM_001407313.1, NM_001407312.1); short protein forms T199fs, T474fs, T494fs.
Identifiers: ClinVar variation 2674033 (VCV002674033.1), dbSNP rs2506476329, ClinGen allele CA2695197468.